The following is an entry in ClinVar:

NM_004431.5(EPHA2):c.890C>T (p.Thr297Met)

Gene: EPHA2 (EPH receptor A2; minus strand). Cytogenetic location: 1p36.13.
Variant type: single nucleotide variant.
Coding change: c.890C>T on transcript NM_004431.5 (MANE Select); coding-DNA position 890, C replaced by T.
Protein change: p.Thr297Met; replaces threonine 297 with methionine.
Molecular consequence: missense variant.
Genome position (GRCh38, 1-based): chr1:16,138,364, G>A on the plus strand (C>T on the coding strand, the complement: EPHA2 is on the minus strand). VCF-style: chr1-16138364-G-A. GRCh37 (hg19) VCF-style: chr1-16464859-G-A.
Other names: c.728C>T, p.Thr243Met (NM_001329090.2); short protein forms T243M, T297M.
Identifiers: ClinVar variation 860395 (VCV000860395.7), dbSNP rs754323552, ClinGen allele CA625388.

ClinVar aggregate classification (germline): Uncertain significance (1 of 4 stars; one submission).

Conditions:
Cataract 6 multiple types. Also called: CATARACT 6, POSTERIOR POLAR; CATARACT 6, CONGENITAL TOTAL; CATARACT, AGE-RELATED CORTICAL, 2. Identifiers: Orphanet 91492, MedGen C1861825, MONDO:0007288, OMIM 116600.

Allele frequency attached by ClinVar (database versions not stated): ExAC 0.00001; gnomAD 0.00001; gnomAD exomes 0.00002; TOPMed 0.00006.
gnomAD v4.1: 40 of 1,613,778 alleles (0.0025%); highest among the groups gnomAD compares: African/African-American, 0.0053%; no homozygotes.

Submission:

Labcorp Genetics (formerly Invitae), Labcorp
Classification: Uncertain significance for Cataract 6 multiple types. Last evaluated: 2024-08-30. Review status: criteria provided, single submitter. Criteria: Invitae Variant Classification Sherloc (09022015). Collection method: clinical testing. Allele origin: germline.
Comment: This sequence change replaces threonine, which is neutral and polar, with methionine, which is neutral and non-polar, at codon 297 of the EPHA2 protein (p.Thr297Met). This variant is present in population databases (rs754323552, gnomAD 0.008%). This variant has not been reported in the literature in individuals affected with EPHA2-related conditions. ClinVar contains an entry for this variant (Variation ID: 860395). Invitae Evidence Modeling of protein sequence and biophysical properties (such as structural, functional, and spatial information, amino acid conservation, physicochemical variation, residue mobility, and thermodynamic stability) indicates that this missense variant is expected to disrupt EPHA2 protein function with a positive predictive value of 80%. In summary, the available evidence is currently insufficient to determine the role of this variant in disease. Therefore, it has been classified as a Variant of Uncertain Significance.